The following is an entry in ClinVar:

ClinVar aggregate classification (germline): Pathogenic. Review status: reviewed by expert panel (3 of 4 stars). 8 submissions from 8 submitters: Pathogenic (1). 7 of the submissions do not count toward it. Last evaluated 2016-04-22.

Conditions:
Hereditary cancer-predisposing syndrome. Also called: Tumor predisposition; Neoplastic Syndromes, Hereditary; Hereditary Cancer Syndrome; Hereditary neoplastic syndrome. Identifiers: Orphanet 140162, MedGen C0027672, MeSH D009386, MONDO:0015356.
Hereditary breast ovarian cancer syndrome. Also called: Hereditary breast and ovarian cancer syndrome (HBOC); Hereditary breast and ovarian cancer syndrome; Hereditary breast and ovarian cancer; Hereditary breast and/or ovarian cancer syndrome; Breast and ovarian cancer; BRCA1- and BRCA2-Associated Hereditary Breast and Ovarian Cancer. Identifiers: Orphanet 145, MedGen C0677776, MeSH D061325, MONDO:0003582. Disease mechanism: loss of function.
Breast-ovarian cancer, familial, susceptibility to, 1 (BROVCA1). Also called: OVARIAN CANCER, SUSCEPTIBILITY TO; BRCA1 Hereditary Breast and Ovarian Cancer. Identifiers: Orphanet 145, MedGen C2676676, MONDO:0011450, OMIM 604370. Disease mechanism: loss of function.
Malignant tumor of breast. Also called: Malignant breast neoplasm; Cancer breast. Identifiers: MedGen C0006142, MONDO:0007254. Disease mechanism: loss of function.

Allele frequency attached by ClinVar (database versions not stated): gnomAD exomes below 0.00001.

Submissions (8):

Evidence-based Network for the Interpretation of Germline Mutant Alleles (ENIGMA)
Classification: Pathogenic for Breast-ovarian cancer, familial, susceptibility to, 1. Last evaluated: 2016-04-22. Review status: reviewed by expert panel. Criteria: ENIGMA BRCA1/2 Classification Criteria (2015). Collection method: curation. Allele origin: germline.
Comment: Variant allele predicted to encode a truncated non-functional protein.

Labcorp Genetics (formerly Invitae), Labcorp
Classification: Pathogenic for Hereditary breast ovarian cancer syndrome. Last evaluated: 2023-03-21. Review status: criteria provided, single submitter. Criteria: Invitae Variant Classification Sherloc (09022015). Collection method: clinical testing. Allele origin: germline. Not counted in ClinVar's aggregate classification.
Comment: This variant is not present in population databases (gnomAD no frequency). This premature translational stop signal has been observed in individual(s) with high risk for breast and/or ovarian cancer (PMID: 29446198). ClinVar contains an entry for this variant (Variation ID: 54517). For these reasons, this variant has been classified as Pathogenic. This sequence change creates a premature translational stop signal (p.Glu755Lysfs*10) in the BRCA1 gene. It is expected to result in an absent or disrupted protein product. Loss-of-function variants in BRCA1 are known to be pathogenic (PMID: 20104584).

Ambry Genetics
Classification: Pathogenic for Hereditary cancer-predisposing syndrome. Last evaluated: 2022-11-14. Review status: criteria provided, single submitter. Criteria: Ambry Variant Classification Scheme 2023. Collection method: clinical testing. Allele origin: germline. Not counted in ClinVar's aggregate classification.
Comment: The c.2263delG pathogenic mutation, located in coding exon 9 of the BRCA1 gene, results from a deletion of one nucleotide at nucleotide position 2263, causing a translational frameshift with a predicted alternate stop codon (p.E755Kfs*10). This alteration has been reported in at least one individual from the United Kingdom with hereditary breast and/or ovarian cancer (Rebbeck TR et al. Hum. Mutat. 2018 05;39(5):593-620). This alteration is expected to result in loss of function by premature protein truncation or nonsense-mediated mRNA decay. As such, this alteration is interpreted as a disease-causing mutation.

Laboratory for Molecular Medicine, Mass General Brigham Personalized Medicine
Classification: Likely pathogenic for Hereditary breast ovarian cancer syndrome. Last evaluated: 2019-10-14. Review status: criteria provided, single submitter. Criteria: ACMG Guidelines, 2015. Collection method: clinical testing. Allele origin: germline. Not counted in ClinVar's aggregate classification.
Comment: The p.Glu755LysfsX10 variant in BRCA1 has not been previously reported in individuals with hereditary breast and/or ovarian cancer (HBOC) and was absent from large population studies, but has been reported in ClinVar (Variation ID: 54517). This variant is predicted to cause a frameshift, which alters the protein’s amino acid sequence beginning at position 755 and leads to a premature termination codon 10 amino acids downstream. This alteration is then predicted to lead to a truncated or absent protein. Loss of function of the BRCA1 gene is an established disease mechanism in autosomal dominant HBOC. In summary, although additional studies are required to fully establish its clinical significance, this variant meets criteria to be classified as likely pathogenic for autosomal dominant HBOC. ACMG/AMP Criteria applied: PVS1, PM2.

Quest Diagnostics Nichols Institute San Juan Capistrano
Classification: Pathogenic. Last evaluated: 2017-12-28. Review status: criteria provided, single submitter. Criteria: Quest Diagnostics criteria. Collection method: clinical testing. Allele origin: germline. Not counted in ClinVar's aggregate classification.

Consortium of Investigators of Modifiers of BRCA1/2 (CIMBA), c/o University of Cambridge
Classification: Pathogenic for Breast-ovarian cancer, familial, susceptibility to, 1. Last evaluated: 2015-10-02. Review status: criteria provided, single submitter. Criteria: CIMBA Mutation Classification guidelines May 2016. Collection method: clinical testing. Allele origin: germline. Not counted in ClinVar's aggregate classification.

Breast Cancer Information Core (BIC) (BRCA1)
Classification: Pathogenic for Breast-ovarian cancer, familial 1. Last evaluated: 2004-02-20. Review status: no assertion criteria provided. Collection method: clinical testing. Allele origin: germline. Affected: yes. Observed: 1 variant allele. Not counted in ClinVar's aggregate classification.

Department of Pathology and Laboratory Medicine, Sinai Health System
Classification: Uncertain significance for Malignant tumor of breast. Review status: no assertion criteria provided. Collection method: clinical testing. Allele origin: unknown. Affected: yes. Observed: 1 variant allele. Study: The Canadian Open Genetics Repository (COGR). Not counted in ClinVar's aggregate classification.
Comment: The c.2263delG variant has not been previously identified in in the literature or by our laboratory, however a single case was identified in the BIC database and suggested to have clinical significance. This variant is predicted to cause a frameshift, which alters the protein's amino acid sequence beginning at codon 755 and leads to a premature stop codon 10 codons downstream. This alteration is predicted to lead to a truncated or absent protein and loss of function. Loss of function of the BRCA1 gene is an established disease mechanism in hereditary breast cancer patients. In summary, based on the above information, this variant is classified as pathogenic.

Literature cited by the submitters: PubMed 29446198 (cited by Labcorp Genetics (formerly Invitae), Labcorp); PubMed 20104584 (cited by Labcorp Genetics (formerly Invitae), Labcorp).

NM_007294.4(BRCA1):c.2263del (p.Glu755fs)

Gene: BRCA1 (BRCA1 DNA repair associated; minus strand). Cytogenetic location: 17q21.31.
Variant type: Deletion.
Coding change: c.2263del on transcript NM_007294.4 (MANE Select); coding-DNA position 2263, one base deleted (G; older notation c.2263delG).
Protein change: p.Glu755fs; shifts the reading frame from glutamic acid 755.
Molecular consequence: frameshift variant. On other transcripts: intron variant (137).
Genome position (GRCh38, 1-based): chr17:43,093,268, C deleted on the plus strand (G on the coding strand, the reverse complement: BRCA1 is on the minus strand). VCF-style (leftmost placement, unchanged base first): chr17-43093267-TC-T. GRCh37 (hg19) VCF-style: chr17-41245284-TC-T.
Other names: 2382delG; c.2053del, p.Glu685fs (NM_001407879.1, NM_001407881.1, NM_001407882.1 and 13 more transcripts); c.2050del, p.Glu684fs (NM_001407894.1, NM_001407895.1, NM_001407896.1 and 9 more transcripts); c.2140del, p.Glu714fs (NM_001407919.1, NM_001407937.1, NM_001407938.1 and 19 more transcripts); c.1999del, p.Glu667fs (NM_001407920.1, NM_001407921.1, NM_001407922.1 and 9 more transcripts); c.1996del, p.Glu666fs (NM_001407930.1, NM_001407931.1, NM_001407932.1 and 2 more transcripts); c.2137del, p.Glu713fs (NM_001407940.1, NM_001407941.1, NM_001407649.1 and 11 more transcripts); c.2122del, p.Glu708fs (NM_001407942.1, NM_001407944.1, NM_001407945.1 and 29 more transcripts); and 42 more; short protein forms E708fs, E755fs, E459fs, E644fs, E707fs, E713fs, E754fs, E687fs.
Identifiers: ClinVar variation 54517 (VCV000054517.21), dbSNP rs80357960, ClinGen allele CA001513.